The following is an entry in ClinVar:

ClinVar aggregate classification (germline): not provided (0 of 4 stars; one submission).

Conditions:
Familial cancer of breast. Also called: hereditary breast carcinoma; BREAST CANCER, FAMILIAL; Hereditary breast cancer. Identifiers: Orphanet 227535, MedGen C0346153, MONDO:0016419, OMIM 114480. Disease mechanism: loss of function.

Submissions (2):

Brotman Baty Institute, University of Washington
No classification provided (evidence only). Condition: Breast-ovarian cancer, familial 1. Review status: no classification provided. Collection method: in vitro. Allele origin: not applicable. Functional consequence: functionally_abnormal. Not counted in ClinVar's aggregate classification.
ClinVar note: "not provided" was previously submitted as the classification for the variant. However, the classification appeared to be based only on an observation of functional data so it was converted to no classification on 2025-07-30.

ClinVar Staff, National Center for Biotechnology Information (NCBI)
No classification provided. Condition: Familial cancer of breast. Review status: no classification provided. Collection method: literature only. Allele origin: germline. Affected: yes.

Literature cited by the submitters: PubMed 9664122 (cited by ClinVar Staff, National Center for Biotechnology Information (NCBI)).

NM_007294.4(BRCA1):c.5203G>A (p.Glu1735Lys)

Gene: BRCA1 (BRCA1 DNA repair associated; minus strand). Cytogenetic location: 17q21.31.
Variant type: single nucleotide variant.
Coding change: c.5203G>A on transcript NM_007294.4 (MANE Select); coding-DNA position 5203, G replaced by A.
Protein change: p.Glu1735Lys; replaces glutamic acid 1735 with lysine.
Molecular consequence: missense variant. On other transcripts: non-coding transcript variant (1).
Genome position (GRCh38, 1-based): chr17:43,057,126, C>T on the plus strand (G>A on the coding strand, the complement: BRCA1 is on the minus strand). VCF-style: chr17-43057126-C-T. GRCh37 (hg19) VCF-style: chr17-41209143-C-T.
Other names: c.5059G>A, p.Glu1687Lys (NM_001407735.1, NM_001407736.1, NM_001407737.1 and 21 more transcripts); c.5125G>A, p.Glu1709Lys (NM_001407652.1, NM_001407653.1, NM_001407654.1 and 1 more transcripts); c.5122G>A, p.Glu1708Lys (NM_001407656.1, NM_001407657.1, NM_001407658.1); c.5119G>A, p.Glu1707Lys (NM_001407659.1, NM_001407660.1, NM_001407661.1 and 2 more transcripts); c.5200G>A, p.Glu1734Lys (NM_001407611.1, NM_001407612.1, NM_001407613.1 and 17 more transcripts); c.5197G>A, p.Glu1733Lys (NM_001407630.1, NM_001407631.1, NM_001407632.1 and 14 more transcripts); c.5077G>A, p.Glu1693Lys (NM_001407671.1, NM_001407672.1, NM_001407673.1 and 10 more transcripts); c.5071G>A, p.Glu1691Lys (NM_001407690.1, NM_001407691.1); and 72 more; short protein forms E1735K, E1688K, E1756K, E631K, E1623K, E1647K, E1665K, E1691K.
Identifiers: ClinVar variation 55455 (VCV000055455.4), dbSNP rs397509238, ClinGen allele CA003353.